The following is an entry in ClinVar:

ClinVar aggregate classification (germline): Pathogenic (1 of 4 stars; one submission).

Conditions:
Hereditary cancer-predisposing syndrome. Also called: Neoplastic Syndromes, Hereditary; Tumor predisposition; Hereditary neoplastic syndrome; Hereditary Cancer Syndrome. Identifiers: Orphanet 140162, MedGen C0027672, MeSH D009386, MONDO:0015356.

Submission:

Ambry Genetics
Classification: Pathogenic for Hereditary cancer-predisposing syndrome. Last evaluated: 2026-08-20. Review status: criteria provided, single submitter. Criteria: Ambry Variant Classification Scheme 2023. Collection method: clinical testing. Allele origin: germline.
Comment: The c.140_141dupTA pathogenic mutation, located in coding exon 2 of the APC gene, results from a duplication of TA at nucleotide position 140, causing a translational frameshift with a predicted alternate stop codon (p.L48Yfs*23). Premature termination codons are typically deleterious in nature. This variant is considered to be rare based on population cohorts in the Genome Aggregation Database (gnomAD). As such, this variant is classified as a disease-causing mutation. However, variants that result in premature termination in coding exon 2 are associated with an attenuated phenotype and may have reduced penetrance compared to classic familial adenomatous polyposis syndrome. Clinical correlation is advised.

NM_000038.6(APC):c.140_141dup (p.Leu48fs)

Gene: APC (APC regulator of Wnt signaling pathway; plus strand). Cytogenetic location: 5q22.2.
Variant type: Duplication.
Coding change: c.140_141dup on transcript NM_000038.6 (MANE Select); coding-DNA positions 140 to 141, 2 bases duplicated (TA; older notation c.140_141dupTA).
Protein change: p.Leu48fs; shifts the reading frame from leucine 48.
Molecular consequence: frameshift variant. On other transcripts: 5 prime UTR variant (8), non-coding transcript variant (2).
Genome position (GRCh38, 1-based): chr5:112,766,330-112,766,331, TA duplicated. VCF-style (leftmost placement, unchanged base first): chr5-112766329-G-GTA. GRCh37 (hg19) VCF-style: chr5-112102026-G-GTA.
Other names: c.65_66dup, p.Leu23fs (NM_001407451.1, NM_001354898.2, NM_001354904.2); c.140_141dup, p.Leu48fs (NM_001407452.1, NM_001407454.1, NM_001407455.1 and 16 more transcripts); c.-38_-37dup (NM_001407453.1, NM_001354900.2, NM_001354901.2 and 1 more transcripts); c.170_171dup, p.Leu58fs (NM_001127511.3, NM_001354897.2, NM_001354902.2 and 1 more transcripts); c.-896_-895dup (NM_001354906.2, NM_001407470.1, NM_001407471.1 and 1 more transcripts); short protein forms L23fs, L58fs, L48fs.
Identifiers: ClinVar variation 5025789 (VCV005025789.1).